The following is an entry in ClinVar:

ClinVar aggregate classification (germline): Uncertain significance (1 of 4 stars; one submission).

Submission:

Labcorp Genetics (formerly Invitae), Labcorp
Classification: Uncertain significance. Last evaluated: 2024-11-07. Review status: criteria provided, single submitter. Criteria: Invitae Variant Classification Sherloc (09022015). Collection method: clinical testing. Allele origin: germline.
Comment: This sequence change replaces threonine, which is neutral and polar, with asparagine, which is neutral and polar, at codon 65 of the NRL protein (p.Thr65Asn). This variant is not present in population databases (gnomAD no frequency). This variant has not been reported in the literature in individuals affected with NRL-related conditions. An algorithm developed to predict the effect of missense changes on protein structure and function (PolyPhen-2) suggests that this variant is likely to be tolerated. In summary, the available evidence is currently insufficient to determine the role of this variant in disease. Therefore, it has been classified as a Variant of Uncertain Significance.

NM_001354768.3(NRL):c.194C>A (p.Thr65Asn)

Gene: NRL (neural retina leucine zipper; minus strand). Cytogenetic location: 14q11.2.
Variant type: single nucleotide variant.
Coding change: c.194C>A on transcript NM_001354768.3 (MANE Select); coding-DNA position 194, C replaced by A.
Protein change: p.Thr65Asn; replaces threonine 65 with asparagine.
Molecular consequence: missense variant. On other transcripts: intron variant (1).
Genome position (GRCh38, 1-based): chr14:24,082,655, G>T on the plus strand (C>A on the coding strand, the complement: NRL is on the minus strand). VCF-style: chr14-24082655-G-T. GRCh37 (hg19) VCF-style: chr14-24551864-G-T.
Other names: c.194C>A, p.Thr65Asn (NM_001354769.1, NM_006177.5); c.66+128C>A (NM_001354770.2); short protein forms T65N.
Identifiers: ClinVar variation 3690110 (VCV003690110.2).
Genomic context (GRCh38, chr14:24,082,655, plus strand): 5'-CCAGCCCCCAGCTGCTGCTGCAGGGTAGCCAGCCAGTACAGCTCCTCCAGGCCTGGCCGG[G>T]TGCCCTCGGTTGCCCCCACCATGCCTGGTTCACTGAAGGTGGGTGAAGGAGGCACTGAGC-3'
Protein context (NP_001341697.1, residues 55-75): EPGMVGATEG[Thr65Asn]RPGLEELYWL